The following is an entry in ClinVar:

NM_004380.3(CREBBP):c.7234C>T (p.Leu2412=)

Gene: CREBBP (CREB binding lysine acetyltransferase; minus strand). Cytogenetic location: 16p13.3.
Variant type: single nucleotide variant.
Coding change: c.7234C>T on transcript NM_004380.3 (MANE Select); coding-DNA position 7234, C replaced by T.
Protein change: p.Leu2412=; no amino-acid change (leucine 2412 retained).
Molecular consequence: synonymous variant.
Genome position (GRCh38, 1-based): chr16:3,727,813, G>A on the plus strand (C>T on the coding strand, the complement: CREBBP is on the minus strand). VCF-style: chr16-3727813-G-A. GRCh37 (hg19) VCF-style: chr16-3777814-G-A.
Other names: c.7120C>T, p.Leu2374= (NM_001079846.1).
Identifiers: ClinVar variation 3355034 (VCV003355034.1).

ClinVar aggregate classification (germline): Likely benign (0 of 4 stars; one submission).

Conditions:
CREBBP-related disorder. Also called: CREBBP-related condition; CREBBP-related disorders.

gnomAD v4.1: 2 of 1,614,080 alleles (0.00012%); highest among the groups gnomAD compares: African/African-American, 0.0027%; no homozygotes.

Submission:

PreventionGenetics, part of Exact Sciences
Classification: Likely benign for CREBBP-related condition. Last evaluated: 2023-08-01. Review status: no assertion criteria provided. Collection method: clinical testing. Allele origin: germline.
Comment: This variant is classified as likely benign based on ACMG/AMP sequence variant interpretation guidelines (Richards et al. 2015 PMID: 25741868, with internal and published modifications).